The following is an entry in ClinVar:

ClinVar aggregate classification (germline): Uncertain significance (1 of 4 stars; one submission).

Allele frequency attached by ClinVar (database versions not stated): gnomAD exomes 0.00001; gnomAD 0.00003; TOPMed 0.00004.
gnomAD v4.1: 23 of 1,613,722 alleles (0.0014%); highest among the groups gnomAD compares: Non-Finnish European, 0.0017%; no homozygotes.

Submission:

Labcorp Genetics (formerly Invitae), Labcorp
Classification: Uncertain significance. Last evaluated: 2026-01-20. Review status: criteria provided, single submitter. Criteria: Invitae Variant Classification Sherloc (09022015). Collection method: clinical testing. Allele origin: germline.
Comment: This sequence change replaces asparagine, which is neutral and polar, with threonine, which is neutral and polar, at codon 280 of the OAS1 protein (p.Asn280Thr). This variant is present in population databases (rs3209727, gnomAD 0.002%). This variant has not been reported in the literature in individuals affected with OAS1-related conditions. ClinVar contains an entry for this variant (Variation ID: 2065568). An algorithm developed to predict the effect of missense changes on protein structure and function outputs the following: PolyPhen-2: "Benign". The threonine amino acid residue is found in multiple mammalian species, which suggests that this missense change does not adversely affect protein function. In summary, the available evidence is currently insufficient to determine the role of this variant in disease. Therefore, it has been classified as a Variant of Uncertain Significance.

NM_016816.4(OAS1):c.839A>C (p.Asn280Thr)

Gene: OAS1 (2'-5'-oligoadenylate synthetase 1; plus strand). Cytogenetic location: 12q24.13.
Variant type: single nucleotide variant.
Coding change: c.839A>C on transcript NM_016816.4 (MANE Select); coding-DNA position 839, A replaced by C.
Protein change: p.Asn280Thr; replaces asparagine 280 with threonine.
Molecular consequence: missense variant.
Genome position (GRCh38, 1-based): chr12:112,916,693, A>C. VCF-style: chr12-112916693-A-C. GRCh37 (hg19) VCF-style: chr12-113354498-A-C.
Other names: c.839A>C, p.Asn280Thr (NM_001032409.3, NM_001320151.2, NM_001406022.1 and 2 more transcripts); c.815A>C, p.Asn272Thr (NM_001406020.1, NM_001406021.1, NM_001406023.1 and 2 more transcripts); c.365A>C, p.Asn122Thr (NM_001406026.1, NM_001406027.1, NM_001406029.1 and 1 more transcripts); short protein forms N280T, N272T, N122T.
Identifiers: ClinVar variation 2065568 (VCV002065568.4), dbSNP rs3209727, ClinGen allele CA243752512.
Genomic context (GRCh38, chr12:112,916,693, plus strand): 5'-AATTAGTCATAAACTACCAGCAACTCTGCATCTACTGGACAAAGTATTATGACTTTAAAA[A>C]CCCCATTATTGAAAAGTACCTGAGAAGGCAGCTCACGAAACCCAGGTATGCTATCCCCAC-3'
Protein context (NP_058132.2, residues 270-290): IYWTKYYDFK[Asn280Thr]PIIEKYLRRQ